The following is an entry in ClinVar:

ClinVar aggregate classification (germline): Uncertain significance (1 of 4 stars; one submission).

Submission:

GeneDx
Classification: Uncertain significance. Last evaluated: 2024-02-13. Review status: criteria provided, single submitter. Criteria: GeneDx Variant Classification Process June 2021. Collection method: clinical testing. Allele origin: germline. Affected: yes.
Comment: Not observed at significant frequency in large population cohorts (gnomAD); In silico analysis supports that this missense variant has a deleterious effect on protein structure/function; Has not been previously published as pathogenic or benign to our knowledge

NM_001145358.2(SIN3A):c.2849C>A (p.Pro950His)

Gene: SIN3A (SIN3 transcription regulator family member A; minus strand). Cytogenetic location: 15q24.2.
Variant type: single nucleotide variant.
Coding change: c.2849C>A on transcript NM_001145358.2 (MANE Select); coding-DNA position 2849, C replaced by A.
Protein change: p.Pro950His; replaces proline 950 with histidine.
Molecular consequence: missense variant.
Genome position (GRCh38, 1-based): chr15:75,392,244, G>T on the plus strand (C>A on the coding strand, the complement: SIN3A is on the minus strand). VCF-style: chr15-75392244-G-T. GRCh37 (hg19) VCF-style: chr15-75684585-G-T.
Other names: c.2849C>A, p.Pro950His (NM_001145357.2, NM_015477.3); short protein forms P950H.
Identifiers: ClinVar variation 3369228 (VCV003369228.1).